The following is an entry in ClinVar:

NM_002435.3(MPI):c.1064C>T (p.Ser355Phe)

Gene: MPI (mannose phosphate isomerase; plus strand). Cytogenetic location: 15q24.1.
Variant type: single nucleotide variant.
Coding change: c.1064C>T on transcript NM_002435.3 (MANE Select); coding-DNA position 1064, C replaced by T.
Protein change: p.Ser355Phe; replaces serine 355 with phenylalanine.
Molecular consequence: missense variant. On other transcripts: synonymous variant (1).
Genome position (GRCh38, 1-based): chr15:74,897,522, C>T. VCF-style: chr15-74897522-C-T. GRCh37 (hg19) VCF-style: chr15-75189863-C-T.
Other names: c.855C>T, p.Leu285= (NM_001289155.2); c.914C>T, p.Ser305Phe (NM_001289156.2); c.881C>T, p.Ser294Phe (NM_001289157.2); c.1004C>T, p.Ser335Phe (NM_001330372.2); short protein forms S305F, S335F, S294F, S355F.
Identifiers: ClinVar variation 1384808 (VCV001384808.5), dbSNP rs763169640, ClinGen allele CA393178764.
Genomic context (GRCh38, chr15:74,897,522, plus strand): 5'-GATGAGAGCAGAGTCTGAGCTGCACTGCCTTATCATTTCTTCCTGCCCAGGTCCCTGGCT[C>T]TGTCACTGAATACAAGGTCTTGGCACTGGACTCTGCCAGCATCCTCCTGATGGTACAGGG-3'
Protein context (NP_002426.1, residues 345-365): FTIMKTEVPG[Ser355Phe]VTEYKVLALD

ClinVar aggregate classification (germline): Uncertain significance (1 of 4 stars; one submission).

Conditions:
MPI-congenital disorder of glycosylation. Also called: CONGENITAL DISORDER OF GLYCOSYLATION, TYPE Ib; MANNOSEPHOSPHATE ISOMERASE DEFICIENCY; PROTEIN-LOSING ENTEROPATHY-HEPATIC FIBROSIS SYNDROME; MPI-CDG; CDG Ib; MPI DEFICIENCY. Identifiers: Orphanet 79319, MedGen C1865145, MONDO:0011257, OMIM 602579.

Allele frequency attached by ClinVar (database versions not stated): gnomAD 0.00002; gnomAD exomes 0.00002; TOPMed 0.00003.
gnomAD v4.1: 15 of 1,613,888 alleles (0.00093%); highest among the groups gnomAD compares: Admixed American, 0.0083%; no homozygotes.

Submission:

Labcorp Genetics (formerly Invitae), Labcorp
Classification: Uncertain significance for MPI-congenital disorder of glycosylation. Last evaluated: 2022-10-13. Review status: criteria provided, single submitter. Criteria: Invitae Variant Classification Sherloc (09022015). Collection method: clinical testing. Allele origin: germline.
Comment: This sequence change replaces serine, which is neutral and polar, with phenylalanine, which is neutral and non-polar, at codon 355 of the MPI protein (p.Ser355Phe). This variant is present in population databases (no rsID available, gnomAD 0.01%). This variant has not been reported in the literature in individuals affected with MPI-related conditions. ClinVar contains an entry for this variant (Variation ID: 1384808). Advanced modeling of protein sequence and biophysical properties (such as structural, functional, and spatial information, amino acid conservation, physicochemical variation, residue mobility, and thermodynamic stability) performed at Invitae indicates that this missense variant is not expected to disrupt MPI protein function. In summary, the available evidence is currently insufficient to determine the role of this variant in disease. Therefore, it has been classified as a Variant of Uncertain Significance.